The following is an entry in ClinVar:

ClinVar aggregate classification (germline): Conflicting classifications of pathogenicity. Review status: criteria provided, conflicting classifications (1 of 4 stars). 4 submissions from 4 submitters: Uncertain significance (2); Likely benign (2). Last evaluated 2026-06-19.

Conditions:
Alzheimer disease 3 (AD3). Also called: ALZHEIMER DISEASE, FAMILIAL, 3. Identifiers: Orphanet 1020, MedGen C1843013, MONDO:0011913, OMIM 607822.
Acne inversa, familial, 3 (ACNINV3). Identifiers: MedGen C3151038, MONDO:0013398, OMIM 613737.
Frontotemporal dementia (FTD1). Also called: Frontotemporal lobe dementia (FLDEM); FRONTOTEMPORAL LOBAR DEGENERATION WITH TAU INCLUSIONS; FTLD WITH TAU INCLUSIONS; Dementia, frontotemporal, with or without parkinsonism; Frontotemporal Dementia with Parkinsonism-17 (FTDP-17); FRONTOTEMPORAL DEMENTIA WITH PARKINSONISM. Identifiers: Orphanet 282, MedGen C0338451, MONDO:0017276, OMIM 600274, HP:0002145.
Pick disease. Also called: PICK DISEASE OF BRAIN; DEMENTIA WITH LOBAR ATROPHY AND NEURONAL CYTOPLASMIC INCLUSIONS; Pick Disease of the Brain; LOBAR ATROPHY OF BRAIN; Pick's disease. Identifiers: Orphanet 282, MedGen C0236642, MONDO:0008243, OMIM 172700.
PSEN1-related disorder. Also called: PSEN1-related condition.

Allele frequency attached by ClinVar (database versions not stated): 1000 Genomes Project 30x 0.00031.

Submissions (4):

PreventionGenetics, part of Exact Sciences
Classification: Uncertain significance for PSEN1-related condition. Last evaluated: 2026-06-19. Review status: criteria provided, single submitter. Criteria: ACMG Guidelines, 2015. Collection method: clinical testing. Allele origin: germline.
Comment: The PSEN1 c.-136+213G>A variant is located in the 5' untranslated region. This variant was reported in an individual with dilated cardiomyopathy; in an in vitro reporter assay, this variant resulted in a 32% reduction in PSEN1 expression (referred to as -21G>A, Gianni et al 2010. PubMed ID: 20194882). This variant is reported in 0.058% of alleles in individuals of European (Non-Finnish) descent in gnomAD. At this time, the clinical significance of this variant is uncertain due to the absence of conclusive functional and genetic evidence.

Women's Health and Genetics/Laboratory Corporation of America, LabCorp
Classification: Uncertain significance. Last evaluated: 2026-02-27. Review status: criteria provided, single submitter. Criteria: LabCorp Variant Classification Summary - May 2015. Collection method: clinical testing. Allele origin: germline.
Comment: Variant summary: PSEN1 c.-136+213G>A is located in the untranslated mRNA region upstream of the initiation codon. Consensus agreement among computation tools predict no significant impact on normal splicing. However, these predictions have yet to be confirmed by functional studies. The variant allele was found at a frequency of 0.00032 in 31392 control chromosomes. This frequency is not significantly higher than estimated for disease-causing variants in PSEN1, allowing no conclusion about variant significance. To our knowledge, no occurrence of c.-136+213G>A in individuals affected with PSEN1-related conditions has been reported. At least one publication reports experimental evidence evaluating an impact of the variant and found it resulted in 62% transcriptional activity compared to the wild type (Gianni_2010). The following publication has been ascertained in the context of this evaluation (PMID: 20194882). ClinVar contains an entry for this variant (Variation ID: 1153577). Based on the evidence outlined above, the variant was classified as uncertain significance.

CeGaT Center for Human Genetics Tuebingen
Classification: Likely benign. Last evaluated: 2025-08-01. Review status: criteria provided, single submitter. Criteria: CeGaT Center For Human Genetics Tuebingen Variant Classification Criteria Version 2. Collection method: clinical testing. Allele origin: germline. Affected: yes. Observed: 2 variant alleles.
Comment: PSEN1: BS1

Labcorp Genetics (formerly Invitae), Labcorp
Classification: Likely benign for Alzheimer disease 3; Pick disease; Acne inversa, familial, 3; Frontotemporal dementia. Last evaluated: 2020-12-27. Review status: criteria provided, single submitter. Criteria: Invitae Variant Classification Sherloc (09022015). Collection method: clinical testing. Allele origin: germline.

Literature cited by the submitters: PubMed 20194882 (cited by Women's Health and Genetics/Laboratory Corporation of America, LabCorp).

NM_000021.4(PSEN1):c.-136+213G>A

Gene: PSEN1 (presenilin 1; plus strand). Cytogenetic location: 14q24.2.
Variant type: single nucleotide variant.
Coding change: c.-136+213G>A on transcript NM_000021.4 (MANE Select); 213 bases into the intron after 136 bases upstream of the start codon, G replaced by A.
Molecular consequence: intron variant.
Genome position (GRCh38, 1-based): chr14:73,136,796, G>A. VCF-style: chr14-73136796-G-A. GRCh37 (hg19) VCF-style: chr14-73603504-G-A.
Other names: c.-136+213G>A (NM_007318.3, NM_000021.3).
Identifiers: ClinVar variation 1153577 (VCV001153577.35), dbSNP rs199959804, ClinGen allele CA262598657.